The following is an entry in ClinVar:

NM_001032283.3(TMPO):c.565+1192C>G

Gene: TMPO (thymopoietin; plus strand). Cytogenetic location: 12q23.1.
Variant type: single nucleotide variant.
Coding change: c.565+1192C>G on transcript NM_001032283.3 (MANE Select); 1192 bases into the intron after coding-DNA position 565, C replaced by G.
Molecular consequence: intron variant. On other transcripts: missense variant (1).
Genome position (GRCh38, 1-based): chr12:98,533,030, C>G. VCF-style: chr12-98533030-C-G. GRCh37 (hg19) VCF-style: chr12-98926808-C-G.
Other names: c.773C>G, p.Ala258Gly (NM_003276.2); c.565+1192C>G (NM_001307975.2, NM_001032284.3); short protein forms A258G.
Identifiers: ClinVar variation 1760386 (VCV001760386.2), dbSNP rs1173315740, ClinGen allele CA386151776.

ClinVar aggregate classification (germline): Uncertain significance (1 of 4 stars; one submission).

Allele frequency attached by ClinVar (database versions not stated): gnomAD 0.00001.
gnomAD v4.1: 2 of 1,613,406 alleles (0.00012%); highest among the groups gnomAD compares: African/African-American, 0.0027%; no homozygotes.

Submission:

Ambry Genetics
Classification: Uncertain significance. Last evaluated: 2021-06-12. Review status: criteria provided, single submitter. Criteria: Ambry Variant Classification Scheme 2023. Collection method: clinical testing. Allele origin: germline.
Comment: The p.A258G variant (also known as c.773C>G), located in coding exon 4 of the TMPO gene, results from a C to G substitution at nucleotide position 773. The alanine at codon 258 is replaced by glycine, an amino acid with similar properties. This amino acid position is conserved. In addition, this alteration is predicted to be tolerated by in silico analysis. Since supporting evidence is limited at this time, the clinical significance of this alteration remains unclear.